The following is an entry in ClinVar:

ClinVar aggregate classification (germline): Uncertain significance (1 of 4 stars; one submission).

gnomAD v4.1: 3 of 1,614,098 alleles (0.00019%); highest among the groups gnomAD compares: South Asian, 0.0011%; no homozygotes.

Submission:

Labcorp Genetics (formerly Invitae), Labcorp
Classification: Uncertain significance. Last evaluated: 2025-05-05. Review status: criteria provided, single submitter. Criteria: Invitae Variant Classification Sherloc (09022015). Collection method: clinical testing. Allele origin: germline.
Comment: This sequence change replaces glycine, which is neutral and non-polar, with aspartic acid, which is acidic and polar, at codon 15 of the PSMB4 protein (p.Gly15Asp). This variant is not present in population databases (gnomAD no frequency). This variant has not been reported in the literature in individuals affected with PSMB4-related conditions. An algorithm developed to predict the effect of missense changes on protein structure and function (PolyPhen-2) suggests that this variant is likely to be disruptive. In summary, the available evidence is currently insufficient to determine the role of this variant in disease. Therefore, it has been classified as a Variant of Uncertain Significance.

NM_002796.3(PSMB4):c.44G>A (p.Gly15Asp)

Gene: PSMB4 (proteasome 20S subunit beta 4; plus strand). Cytogenetic location: 1q21.3.
Variant type: single nucleotide variant.
Coding change: c.44G>A on transcript NM_002796.3 (MANE Select); coding-DNA position 44, G replaced by A.
Protein change: p.Gly15Asp; replaces glycine 15 with aspartic acid.
Molecular consequence: missense variant.
Genome position (GRCh38, 1-based): chr1:151,399,631, G>A. VCF-style: chr1-151399631-G-A. GRCh37 (hg19) VCF-style: chr1-151372107-G-A.
Other names: short protein forms G15D.
Identifiers: ClinVar variation 4762561 (VCV004762561.1).
Genomic context (GRCh38, chr1:151,399,631, plus strand): 5'-CTGCTACCGTGACTAAGATGGAAGCGTTTTTGGGGTCGCGGTCCGGACTTTGGGCGGGGG[G>A]TCCGGCCCCAGGACAGTTTTACCGCATTCCGTCCACTCCCGATTCCTTCATGGATCCGGC-3'
Protein context (NP_002787.2, residues 5-25): LGSRSGLWAG[Gly15Asp]PAPGQFYRIP